The following is an entry in ClinVar:

NM_000038.6(APC):c.224T>G (p.Leu75Arg)

Gene: APC (APC regulator of Wnt signaling pathway; plus strand). Cytogenetic location: 5q22.2.
Variant type: single nucleotide variant.
Coding change: c.224T>G on transcript NM_000038.6 (MANE Select); coding-DNA position 224, T replaced by G.
Protein change: p.Leu75Arg; replaces leucine 75 with arginine.
Molecular consequence: missense variant. On other transcripts: 5 prime UTR variant (1).
Genome position (GRCh38, 1-based): chr5:112,767,192, T>G. VCF-style: chr5-112767192-T-G. GRCh37 (hg19) VCF-style: chr5-112102889-T-G.
Other names: c.224T>G, p.Leu75Arg (NM_001127510.3, NM_001354895.2, NM_001354896.2 and 16 more transcripts); c.254T>G, p.Leu85Arg (NM_001127511.3, NM_001354897.2, NM_001354902.2 and 1 more transcripts); c.149T>G, p.Leu50Arg (NM_001354898.2, NM_001354904.2, NM_001407451.1); c.47T>G, p.Leu16Arg (NM_001354900.2, NM_001354901.2, NM_001354905.2 and 1 more transcripts); c.-812T>G (NM_001354906.2, NM_001407470.1, NM_001407471.1 and 1 more transcripts); short protein forms L50R, L75R, L16R, L85R.
Identifiers: ClinVar variation 1788412 (VCV001788412.7), dbSNP rs995081817, ClinGen allele CA16021832.

ClinVar aggregate classification (germline): Uncertain significance. Review status: criteria provided, multiple submitters, no conflicts (2 of 4 stars). 3 submissions from 3 submitters: Uncertain significance (3). Last evaluated 2025-04-03.

Conditions:
Hereditary cancer-predisposing syndrome. Also called: Neoplastic Syndromes, Hereditary; Tumor predisposition; Hereditary Cancer Syndrome; Hereditary neoplastic syndrome. Identifiers: Orphanet 140162, MedGen C0027672, MeSH D009386, MONDO:0015356.
Familial adenomatous polyposis 1 (FAP1). Also called: FAMILIAL ADENOMATOUS POLYPOSIS 1, ATTENUATED; POLYPOSIS, ADENOMATOUS INTESTINAL. Identifiers: MedGen C2713442, MONDO:0021056, OMIM 175100. Disease mechanism: loss of function.
Desmoid disease, hereditary (DESMD). Also called: FIBROMATOSIS, FAMILIAL INFILTRATIVE. Identifiers: Orphanet 873, MedGen C1851124, OMIM 135290. Disease mechanism: loss of function.

Allele frequency attached by ClinVar (database versions not stated): gnomAD 0.00002; TOPMed 0.00002.
gnomAD v4.1: 5 of 1,613,080 alleles (0.00031%); highest among the groups gnomAD compares: Non-Finnish European, 0.00042%; no homozygotes.

Submissions (3):

Ambry Genetics
Classification: Uncertain significance for Hereditary cancer-predisposing syndrome. Last evaluated: 2025-04-03. Review status: criteria provided, single submitter. Criteria: Ambry Variant Classification Scheme 2023. Collection method: clinical testing. Allele origin: germline.
Comment: The p.L75R variant (also known as c.224T>G), located in coding exon 3 of the APC gene, results from a T to G substitution at nucleotide position 224. The leucine at codon 75 is replaced by arginine, an amino acid with dissimilar properties. This amino acid position is well conserved in available vertebrate species. In addition, in silico predictors for this gene do not accurately predict pathogenicity. Missense alterations in APC are not a common cause of disease (Spier I et al. Genet Med. 2024 Feb;26(2):100992). Based on the available evidence, the clinical significance of this variant remains unclear.

Labcorp Genetics (formerly Invitae), Labcorp
Classification: Uncertain significance for Familial adenomatous polyposis 1. Last evaluated: 2024-02-18. Review status: criteria provided, single submitter. Criteria: Invitae Variant Classification Sherloc (09022015). Collection method: clinical testing. Allele origin: germline.
Comment: This sequence change replaces leucine, which is neutral and non-polar, with arginine, which is basic and polar, at codon 75 of the APC protein (p.Leu75Arg). This variant is not present in population databases (gnomAD no frequency). This variant has not been reported in the literature in individuals affected with APC-related conditions. ClinVar contains an entry for this variant (Variation ID: 1788412). Advanced modeling of protein sequence and biophysical properties (such as structural, functional, and spatial information, amino acid conservation, physicochemical variation, residue mobility, and thermodynamic stability) performed at Invitae indicates that this missense variant is not expected to disrupt APC protein function with a negative predictive value of 95%. In summary, the available evidence is currently insufficient to determine the role of this variant in disease. Therefore, it has been classified as a Variant of Uncertain Significance.

Department of Pathology and Laboratory Medicine, Sinai Health System
Classification: Uncertain significance for Desmoid disease, hereditary. Last evaluated: 2020-08-11. Review status: criteria provided, single submitter. Criteria: ACMG Guidelines, 2015. Collection method: clinical testing. Allele origin: germline. Affected: yes.